The following is an entry in ClinVar:

NM_000094.4(COL7A1):c.7686+13G>A

Gene: COL7A1 (collagen type VII alpha 1 chain; minus strand). Cytogenetic location: 3p21.31.
Variant type: single nucleotide variant.
Coding change: c.7686+13G>A on transcript NM_000094.4 (MANE Select); 13 bases into the intron after coding-DNA position 7686, G replaced by A.
Molecular consequence: intron variant.
Genome position (GRCh38, 1-based): chr3:48,569,362, C>T on the plus strand (G>A on the coding strand, the complement: COL7A1 is on the minus strand). VCF-style: chr3-48569362-C-T. GRCh37 (hg19) VCF-style: chr3-48606795-C-T.
Identifiers: ClinVar variation 3003988 (VCV003003988.3), dbSNP rs2530843185, ClinGen allele CA2740094428.

ClinVar aggregate classification (germline): Uncertain significance (1 of 4 stars; one submission).

Submission:

Labcorp Genetics (formerly Invitae), Labcorp
Classification: Uncertain significance. Last evaluated: 2023-08-14. Review status: criteria provided, single submitter. Criteria: Invitae Variant Classification Sherloc (09022015). Collection method: clinical testing. Allele origin: germline.
Comment: This sequence change falls in intron 102 of the COL7A1 gene. It does not directly change the encoded amino acid sequence of the COL7A1 protein. This variant is not present in population databases (gnomAD no frequency). This variant has not been reported in the literature in individuals affected with COL7A1-related conditions. Algorithms developed to predict the effect of sequence changes on RNA splicing suggest that this variant may create or strengthen a splice site. In summary, the available evidence is currently insufficient to determine the role of this variant in disease. Therefore, it has been classified as a Variant of Uncertain Significance.